The following is an entry in ClinVar:

ClinVar aggregate classification (germline): Conflicting classifications of pathogenicity. Review status: criteria provided, conflicting classifications (1 of 4 stars). 4 submissions from 4 submitters: Uncertain significance (1); Likely benign (3). Last evaluated 2026-01-18.

Conditions:
Epiphyseal dysplasia, multiple, 2 (EDM2). Also called: COL9A2-Related Multiple Epiphyseal Dysplasia. Identifiers: MedGen C1838429, MONDO:0010844, OMIM 600204.

Allele frequency attached by ClinVar (database versions not stated): ExAC 0.00009; TOPMed 0.00009; gnomAD exomes 0.00010; ESP Exome Variant Server 0.00015; gnomAD 0.00015 and 0.00016.
gnomAD v4.1: 118 of 1,614,064 alleles (0.0073%); highest among the groups gnomAD compares: Non-Finnish European, 0.0086%; no homozygotes.

Submissions (4):

Labcorp Genetics (formerly Invitae), Labcorp
Classification: Likely benign. Last evaluated: 2026-01-18. Review status: criteria provided, single submitter. Criteria: Invitae Variant Classification Sherloc (09022015). Collection method: clinical testing. Allele origin: germline.

Blueprint Genetics
Classification: Likely benign. Last evaluated: 2024-11-05. Review status: criteria provided, single submitter. Criteria: ACMG Guidelines, 2015. Collection method: clinical testing. Allele origin: germline.

CeGaT Center for Human Genetics Tuebingen
Classification: Likely benign. Last evaluated: 2024-02-01. Review status: criteria provided, single submitter. Criteria: CeGaT Center For Human Genetics Tuebingen Variant Classification Criteria Version 2. Collection method: clinical testing. Allele origin: germline. Affected: yes. Observed: 1 variant allele.
Comment: COL9A2: BP4, BP7

Illumina Laboratory Services, Illumina
Classification: Uncertain significance for Epiphyseal dysplasia, multiple, 2. Last evaluated: 2018-01-13. Review status: criteria provided, single submitter. Criteria: ICSL Variant Classification Criteria 13 December 2019. Collection method: clinical testing. Allele origin: germline.

NM_001852.4(COL9A2):c.942G>A (p.Thr314=)

Gene: COL9A2 (collagen type IX alpha 2 chain; minus strand). Cytogenetic location: 1p34.2.
Variant type: single nucleotide variant.
Coding change: c.942G>A on transcript NM_001852.4 (MANE Select); coding-DNA position 942, G replaced by A.
Protein change: p.Thr314=; no amino-acid change (threonine 314 retained).
Molecular consequence: synonymous variant.
Genome position (GRCh38, 1-based): chr1:40,307,715, C>T on the plus strand (G>A on the coding strand, the complement: COL9A2 is on the minus strand). VCF-style: chr1-40307715-C-T. GRCh37 (hg19) VCF-style: chr1-40773387-C-T.
Identifiers: ClinVar variation 297305 (VCV000297305.35), dbSNP rs144615318, ClinGen allele CA791665.